The following is an entry in ClinVar:

NM_005045.4(RELN):c.6166C>T (p.Pro2056Ser)

Gene: RELN (reelin; minus strand). Cytogenetic location: 7q22.1.
Variant type: single nucleotide variant.
Coding change: c.6166C>T on transcript NM_005045.4 (MANE Select); coding-DNA position 6166, C replaced by T.
Protein change: p.Pro2056Ser; replaces proline 2056 with serine.
Molecular consequence: missense variant.
Genome position (GRCh38, 1-based): chr7:103,551,203, G>A on the plus strand (C>T on the coding strand, the complement: RELN is on the minus strand). VCF-style: chr7-103551203-G-A. GRCh37 (hg19) VCF-style: chr7-103191650-G-A.
Other names: c.6166C>T, p.Pro2056Ser (NM_173054.3); short protein forms P2056S.
Identifiers: ClinVar variation 542578 (VCV000542578.13), dbSNP rs200409290, ClinGen allele CA4421013.

ClinVar aggregate classification (germline): Conflicting classifications of pathogenicity. Review status: criteria provided, conflicting classifications (1 of 4 stars). 3 submissions from 3 submitters: Uncertain significance (2); Benign (1). Last evaluated 2026-07-24.

Conditions:
Inborn genetic diseases. Identifiers: MedGen C0950123, MeSH D030342.
Norman-Roberts syndrome (LIS2). Also called: Lissencephaly 2 (Norman-Roberts type). Identifiers: Orphanet 89844, MedGen C0796089, MONDO:0009760, OMIM 257320.
Familial temporal lobe epilepsy 7. Identifiers: Orphanet 101046, MedGen C4225327, MONDO:0014639, OMIM 616436.

Allele frequency attached by ClinVar (database versions not stated): gnomAD exomes 0.00004 and 0.00006; TOPMed 0.00032; gnomAD 0.00035 and 0.00038; 1000 Genomes Project 30x 0.00047; 1000 Genomes Project 0.00060; ExAC 0.00008; ESP Exome Variant Server 0.00038.
gnomAD v4.1: 117 of 1,614,108 alleles (0.0072%); highest among the groups gnomAD compares: African/African-American, 0.15%; no homozygotes.

Submissions (3):

GeneDx
Classification: Uncertain significance. Last evaluated: 2026-07-24. Review status: criteria provided, single submitter. Criteria: GeneDx Variant Classification Process June 2021. Collection method: clinical testing. Allele origin: germline.
Comment: In silico analysis supports that this missense variant has a deleterious effect on protein structure/function; Has not been previously published as pathogenic or benign to our knowledge

Labcorp Genetics (formerly Invitae), Labcorp
Classification: Benign for Familial temporal lobe epilepsy 7; Norman-Roberts syndrome. Last evaluated: 2026-01-19. Review status: criteria provided, single submitter. Criteria: Invitae Variant Classification Sherloc (09022015). Collection method: clinical testing. Allele origin: germline.

Ambry Genetics
Classification: Uncertain significance for Inborn genetic diseases. Last evaluated: 2021-09-17. Review status: criteria provided, single submitter. Criteria: Ambry Variant Classification Scheme 2023. Collection method: clinical testing. Allele origin: germline.